The following is an entry in ClinVar:

NM_001367721.1(CASK):c.523dup (p.Val175fs)

Gene: CASK (calcium/calmodulin dependent serine protein kinase; minus strand). Cytogenetic location: Xp11.4.
Variant type: Duplication.
Coding change: c.523dup on transcript NM_001367721.1 (MANE Select); coding-DNA position 523, one base duplicated (G; older notation c.523dupG).
Protein change: p.Val175fs; shifts the reading frame from valine 175.
Molecular consequence: frameshift variant.
Genome position (GRCh38, 1-based): chrX:41,671,437, C duplicated on the plus strand (G on the coding strand, the reverse complement: CASK is on the minus strand). VCF-style (leftmost placement, unchanged base first): chrX-41671436-A-AC. GRCh37 (hg19) VCF-style: chrX-41530689-A-AC.
Other names: c.523dupG (NM_003688.3); c.523dup, p.Val175Glyfs (NM_001126054.3, NM_001126055.3, NM_001410745.1 and 1 more transcripts); short protein forms V175fs.
Identifiers: ClinVar variation 279959 (VCV000279959.2), dbSNP rs886041284, ClinGen allele CA10603728.

ClinVar aggregate classification (germline): Pathogenic (1 of 4 stars; one submission).

Submission:

GeneDx
Classification: Pathogenic. Last evaluated: 2015-06-17. Review status: criteria provided, single submitter. Criteria: GeneDx Variant Classification (06012015). Collection method: clinical testing. Allele origin: germline. Affected: yes.
Comment: The c.523dupG variant in the CASK gene causes a frameshift starting with codon Valine 175, changes this amino acid to a Glycine residue and creates a premature Stop codon at position 54 of the new reading frame, denoted p.V175GfsX54. This variant is predicted to cause loss of normal protein function either through protein truncation or nonsense-mediated mRNA decay. It was not observed in approximately 6,500 individuals of European and African American ancestry in the NHLBI Exome Sequencing Project, indicating it is not a common benign variant in these populations. Although the c.523dupG variant has not been previously reported to our knowledge, we interpret this variant to be pathogenic.